The following is an entry in ClinVar:

ClinVar aggregate classification (germline): Uncertain significance (1 of 4 stars; one submission).

Submission:

CeGaT Center for Human Genetics Tuebingen
Classification: Uncertain significance. Last evaluated: 2024-06-01. Review status: criteria provided, single submitter. Criteria: CeGaT Center For Human Genetics Tuebingen Variant Classification Criteria Version 2. Collection method: clinical testing. Allele origin: germline. Affected: yes. Observed: 1 variant allele.
Comment: TNXB: PM4, PM2:Supporting

NM_001365276.2(TNXB):c.9971_9976delinsCAA (p.Arg3324_Tyr3326delinsProAsn)

Gene: TNXB (tenascin XB; minus strand). Cytogenetic location: 6p21.33.
Variant type: Indel.
Coding change: c.9971_9976delinsCAA on transcript NM_001365276.2 (MANE Select); coding-DNA positions 9971 to 9976, GCAAGT replaced by CAA.
Protein change: p.Arg3324_Tyr3326delinsProAsn.
Molecular consequence: inframe indel.
Genome position (GRCh38, 1-based): chr6:32,048,432-32,048,437, ACTTGC replaced by TTG on the plus strand (GCAAGT replaced by CAA on the coding strand, the reverse complement: TNXB is on the minus strand). VCF-style: chr6-32048432-ACTTGC-TTG. GRCh37 (hg19) VCF-style: chr6-32016209-ACTTGC-TTG.
Other names: c.10712_10717delGCAAGTinsCAA, p.Arg3571_Tyr3573delinsProAsn (NM_001428335.1); c.9965_9970delinsCAA, p.Arg3322_Tyr3324delinsProAsn (NM_019105.8).
Identifiers: ClinVar variation 3251229 (VCV003251229.18), dbSNP rs2483414817.